The following is an entry in ClinVar:

NM_005343.4(HRAS):c.406A>G (p.Ser136Gly)

Genes: HRAS (HRas proto-oncogene, GTPase; minus strand), LRRC56 (leucine rich repeat containing 56; plus strand). Cytogenetic location: 11p15.5.
Variant type: single nucleotide variant.
Coding change: c.406A>G on transcript NM_005343.4 (MANE Select); coding-DNA position 406, A replaced by G.
Protein change: p.Ser136Gly; replaces serine 136 with glycine.
Molecular consequence: missense variant. On other transcripts: synonymous variant (1).
Genome position (GRCh38, 1-based): chr11:533,497, T>C on the plus strand (A>G on the coding strand, the complement: HRAS is on the minus strand). VCF-style: chr11-533497-T-C. GRCh37 (hg19) VCF-style: chr11-533497-T-C.
Other names: c.406A>G, p.Ser136Gly (NM_001130442.3, NM_176795.5); c.87A>G, p.Glu29= (NM_001318054.2); short protein forms S136G.
Identifiers: ClinVar variation 2007771 (VCV002007771.4), dbSNP rs2133986711, ClinGen allele CA378922960.

ClinVar aggregate classification (germline): Uncertain significance (1 of 4 stars; one submission).

Conditions:
Costello syndrome (CSTLO). Also called: HRAS-Related Costello Syndrome; FACIOCUTANEOSKELETAL SYNDROME; FCS SYNDROME. Identifiers: Orphanet 3071, MedGen C0587248, MONDO:0009026, OMIM 218040.

Submission:

Labcorp Genetics (formerly Invitae), Labcorp
Classification: Uncertain significance for Costello syndrome. Last evaluated: 2025-10-28. Review status: criteria provided, single submitter. Criteria: Invitae Variant Classification Sherloc (09022015). Collection method: clinical testing. Allele origin: germline.
Comment: This sequence change replaces serine, which is neutral and polar, with glycine, which is neutral and non-polar, at codon 136 of the HRAS protein (p.Ser136Gly). This variant is not present in population databases (gnomAD no frequency). This variant has not been reported in the literature in individuals affected with HRAS-related conditions. ClinVar contains an entry for this variant (Variation ID: 2007771). Invitae Evidence Modeling of protein sequence and biophysical properties (such as structural, functional, and spatial information, amino acid conservation, physicochemical variation, residue mobility, and thermodynamic stability) has been performed for this missense variant. However, the output from this modeling did not meet the statistical confidence thresholds required to predict the impact of this variant on HRAS protein function. In summary, the available evidence is currently insufficient to determine the role of this variant in disease. Therefore, it has been classified as a Variant of Uncertain Significance.